The following is an entry in ClinVar:

NM_020988.3(GNAO1):c.114_116del (p.Leu39del)

Gene: GNAO1 (G protein subunit alpha o1; plus strand). Cytogenetic location: 16q13.
Variant type: Deletion.
Coding change: c.114_116del on transcript NM_020988.3 (MANE Select); coding-DNA positions 114 to 116, 3 bases deleted (GCT; older notation c.114_116delGCT).
Protein change: p.Leu39del; deletes leucine 39.
Molecular consequence: inframe deletion.
Genome position (GRCh38, 1-based): chr16:56,192,349-56,192,351, GCT deleted; deleting any 3 consecutive bases within chr16:56,192,347-56,192,351 gives the same sequence; the c. name uses the placement nearest the transcript's 3' end. VCF-style (leftmost placement, unchanged base first): chr16-56192346-CCTG-C. GRCh37 (hg19) VCF-style: chr16-56226258-CCTG-C.
Other names: c.114_116del, p.Leu39del (NM_138736.3); short protein forms L39del.
Identifiers: ClinVar variation 3775674 (VCV003775674.1).

ClinVar aggregate classification (germline): Likely pathogenic (1 of 4 stars; one submission).

Conditions:
Developmental and epileptic encephalopathy, 17 (DEE17). Also called: Early infantile epileptic encephalopathy 17. Identifiers: Orphanet 1934, MedGen C3809606, MONDO:0014199, OMIM 615473.

Submission:

3billion
Classification: Likely pathogenic for Developmental and epileptic encephalopathy, 17. Last evaluated: 2023-08-25. Review status: criteria provided, single submitter. Criteria: ACMG Guidelines, 2015. Collection method: clinical testing. Allele origin: germline. Affected: yes.
Comment: The variant is not observed in the gnomAD v2.1.1 dataset. Predicted Consequence/Location: Inframe deletion located in a nonrepeat region: predicted to change the length of the protein and disrupt normal protein function. Therefore, this variant is classified as VUS according to the recommendation of ACMG/AMP guideline.